The following is an entry in ClinVar:

ClinVar aggregate classification (germline): Likely benign (1 of 4 stars; one submission).

gnomAD v4.1: 2 of 1,612,522 alleles (0.00012%); highest among the groups gnomAD compares: African/African-American, 0.0013%; no homozygotes.

Submission:

CeGaT Center for Human Genetics Tuebingen
Classification: Likely benign. Last evaluated: 2024-12-01. Review status: criteria provided, single submitter. Criteria: CeGaT Center For Human Genetics Tuebingen Variant Classification Criteria Version 2. Collection method: clinical testing. Allele origin: germline. Affected: yes. Observed: 1 variant allele.
Comment: CATSPER2: BP4, BP7

NM_172095.4(CATSPER2):c.732C>G (p.Leu244=)

Genes: CATSPER2 (cation channel sperm associated 2; minus strand), LOC130056949 (ATAC-STARR-seq lymphoblastoid active region 9317; plus strand). Cytogenetic location: 15q15.3.
Variant type: single nucleotide variant.
Coding change: c.732C>G on transcript NM_172095.4 (MANE Select); coding-DNA position 732, C replaced by G.
Protein change: p.Leu244=; no amino-acid change (leucine 244 retained).
Molecular consequence: synonymous variant. On other transcripts: non-coding transcript variant (2).
Genome position (GRCh38, 1-based): chr15:43,639,014, G>C on the plus strand (C>G on the coding strand, the complement: CATSPER2 is on the minus strand). VCF-style: chr15-43639014-G-C. GRCh37 (hg19) VCF-style: chr15-43931212-G-C.
Other names: c.732C>G, p.Leu244= (NM_001282309.3); c.750C>G, p.Leu250= (NM_001282310.2).
Identifiers: ClinVar variation 3772068 (VCV003772068.13).
Genomic context (GRCh38, chr15:43,639,014, plus strand): 5'-TGAGAAGACGTAGACACCAGTCACAGCAAAAATGTAGAAGAAGATGAGCAGCAACATCAA[G>C]AGGAAGGTCATGCTCTAGAGGCCATAACTCTCATGTCAGATGTGGGCCAAACTAGGCTGA-3'
Protein context (NP_742093.1, residues 234-254): LVRALKSMTF[Leu244=]LMLLLIFFYI